The following is an entry in ClinVar:

ClinVar aggregate classification (germline): Benign/Likely benign. Review status: criteria provided, multiple submitters, no conflicts (2 of 4 stars). 5 submissions from 5 submitters: Benign (1); Likely benign (4). Last evaluated 2026-01-19.

Allele frequency attached by ClinVar (database versions not stated): gnomAD exomes 0.00006 and 0.00012; ExAC 0.00013; 1000 Genomes Project 30x 0.00016; 1000 Genomes Project 0.00020; TOPMed 0.00038; gnomAD 0.00042 and 0.00047; ESP Exome Variant Server 0.00092.
gnomAD v4.1: 168 of 1,613,720 alleles (0.01%); highest among the groups gnomAD compares: African/African-American, 0.18%; no homozygotes.

Submissions (5):

Labcorp Genetics (formerly Invitae), Labcorp
Classification: Likely benign. Last evaluated: 2026-01-19. Review status: criteria provided, single submitter. Criteria: Invitae Variant Classification Sherloc (09022015). Collection method: clinical testing. Allele origin: germline.

Mayo Clinic Laboratories, Mayo Clinic
Classification: Benign. Last evaluated: 2024-10-25. Review status: criteria provided, single submitter. Criteria: ACMG Guidelines, 2015. Collection method: clinical testing. Allele origin: germline. Observed: 1 variant allele.
Comment: BA1, BS2, BP4, BP7

Blueprint Genetics
Classification: Likely benign. Last evaluated: 2024-09-19. Review status: criteria provided, single submitter. Criteria: ACMG Guidelines, 2015. Collection method: clinical testing. Allele origin: germline.

CeGaT Center for Human Genetics Tuebingen
Classification: Likely benign. Last evaluated: 2022-05-01. Review status: criteria provided, single submitter. Criteria: CeGaT Center For Human Genetics Tuebingen Variant Classification Criteria Version 2. Collection method: clinical testing. Allele origin: germline. Affected: yes. Observed: 2 variant alleles.
Comment: DMXL2: BP4, BP7

Breakthrough Genomics
Classification: Likely benign. Review status: criteria provided, single submitter. Criteria: ACMG Guidelines, 2015. Collection method: not provided. Allele origin: germline. Inheritance: Autosomal recessive inheritance. Affected: yes.

NM_001378457.1(DMXL2):c.8763C>T (p.His2921=)

Genes: DMXL2 (Dmx like 2; minus strand), LOC126862131 (MED14-independent group 3 enhancer GRCh37_chr15:51741640-51742839; plus strand). Cytogenetic location: 15q21.2.
Variant type: single nucleotide variant.
Coding change: c.8763C>T on transcript NM_001378457.1 (MANE Select); coding-DNA position 8763, C replaced by T.
Protein change: p.His2921=; no amino-acid change (histidine 2921 retained).
Molecular consequence: synonymous variant. On other transcripts: non-coding transcript variant (2).
Genome position (GRCh38, 1-based): chr15:51,450,333, G>A on the plus strand (C>T on the coding strand, the complement: DMXL2 is on the minus strand). VCF-style: chr15-51450333-G-A. GRCh37 (hg19) VCF-style: chr15-51742530-G-A.
Other names: p.His2900=; c.8700C>T (NM_001174116.2); c.8700C>T, p.His2900= (NM_001174116.3); c.6789C>T, p.His2263= (NM_001174117.3); c.8760C>T, p.His2920= (NM_001378458.1); c.8475C>T, p.His2825= (NM_001378459.1); c.6678C>T, p.His2226= (NM_001378460.1); c.8697C>T, p.His2899= (NM_015263.5).
Identifiers: ClinVar variation 1176990 (VCV001176990.43), dbSNP rs145628830, ClinGen allele CA7560894.